The following is an entry in ClinVar:

NM_002860.4(ALDH18A1):c.558+5G>C

Gene: ALDH18A1 (aldehyde dehydrogenase 18 family member A1; minus strand). Cytogenetic location: 10q24.1.
Variant type: single nucleotide variant.
Coding change: c.558+5G>C on transcript NM_002860.4 (MANE Select); 5 bases into the intron after coding-DNA position 558, G replaced by C.
Molecular consequence: intron variant.
Genome position (GRCh38, 1-based): chr10:95,637,088, C>G on the plus strand (G>C on the coding strand, the complement: ALDH18A1 is on the minus strand). VCF-style: chr10-95637088-C-G. GRCh37 (hg19) VCF-style: chr10-97396845-C-G.
Other names: c.-78-3439G>C (NM_001323419.2); c.225+5G>C (NM_001323412.2, NM_001323418.2, NM_001323416.2); c.453+199G>C (NM_001323417.2); c.558+5G>C (NM_001017423.2, NM_001323415.2, NM_001323413.2 and 1 more transcripts).
Identifiers: ClinVar variation 1254551 (VCV001254551.3), dbSNP rs371725968, ClinGen allele CA211802504.

ClinVar aggregate classification (germline): Uncertain significance (1 of 4 stars; one submission).

Allele frequency attached by ClinVar (database versions not stated): gnomAD exomes below 0.00001; ESP Exome Variant Server 0.00008.
gnomAD v4.1: 6 of 1,613,676 alleles (0.00037%); highest among the groups gnomAD compares: Non-Finnish European, 0.00051%; no homozygotes.

Submission:

GeneDx
Classification: Uncertain significance. Last evaluated: 2023-03-27. Review status: criteria provided, single submitter. Criteria: GeneDx Variant Classification Process June 2021. Collection method: clinical testing. Allele origin: germline. Affected: yes.
Comment: Has not been previously published as pathogenic or benign to our knowledge; Not observed at significant frequency in large population cohorts (gnomAD); In silico analysis is inconclusive as to whether the variant alters gene splicing. In the absence of RNA/functional studies, the actual effect of this sequence change is unknown.